The following is an entry in ClinVar:

NM_001988.4(EVPL):c.2952G>A (p.Lys984=)

Gene: EVPL (envoplakin; minus strand). Cytogenetic location: 17q25.1.
Variant type: single nucleotide variant.
Coding change: c.2952G>A on transcript NM_001988.4 (MANE Select); coding-DNA position 2952, G replaced by A.
Protein change: p.Lys984=; no amino-acid change (lysine 984 retained).
Molecular consequence: synonymous variant.
Genome position (GRCh38, 1-based): chr17:76,010,253, C>T on the plus strand (G>A on the coding strand, the complement: EVPL is on the minus strand). VCF-style: chr17-76010253-C-T. GRCh37 (hg19) VCF-style: chr17-74006334-C-T.
Other names: c.3018G>A, p.Lys1006= (NM_001320747.2).
Identifiers: ClinVar variation 2648289 (VCV002648289.24), dbSNP rs1363844681, ClinGen allele CA502058584.

ClinVar aggregate classification (germline): Likely benign (1 of 4 stars; one submission).

Allele frequency attached by ClinVar (database versions not stated): gnomAD exomes below 0.00001; gnomAD 0.00001.
gnomAD v4.1: 6 of 1,613,924 alleles (0.00037%); highest among the groups gnomAD compares: Non-Finnish European, 0.00051%; no homozygotes.

Submission:

CeGaT Center for Human Genetics Tuebingen
Classification: Likely benign. Last evaluated: 2023-06-01. Review status: criteria provided, single submitter. Criteria: CeGaT Center For Human Genetics Tuebingen Variant Classification Criteria Version 2. Collection method: clinical testing. Allele origin: germline. Affected: yes. Observed: 1 variant allele.
Comment: EVPL: BP4